The following is an entry in ClinVar:

ClinVar aggregate classification (germline): Uncertain significance (1 of 4 stars; one submission).

Conditions:
Melanoma, cutaneous malignant, susceptibility to, 8. Also called: MELANOMA AND RENAL CELL CARCINOMA, SUSCEPTIBILITY TO; Cutaneous malignant melanoma 8. Identifiers: Orphanet 293822, MedGen C3152204, MONDO:0013759, OMIM 614456.
Tietz syndrome (TADS). Also called: ALBINISM-DEAFNESS OF TIETZ; HYPOPIGMENTATION/DEAFNESS OF TIETZ; TIETZ ALBINISM-DEAFNESS SYNDROME. Identifiers: Orphanet 42665, MedGen C0391816, MONDO:0007077, OMIM 103500.
Waardenburg syndrome type 2A (WS2A). Also called: WAARDENBURG SYNDROME WITHOUT DYSTOPIA CANTHORUM. Identifiers: Orphanet 3440, MedGen C1860339, MONDO:0008671, OMIM 193510.

Submission:

Labcorp Genetics (formerly Invitae), Labcorp
Classification: Uncertain significance for Melanoma, cutaneous malignant, susceptibility to, 8; Waardenburg syndrome type 2A; Tietz syndrome. Last evaluated: 2024-09-17. Review status: criteria provided, single submitter. Criteria: Invitae Variant Classification Sherloc (09022015). Collection method: clinical testing. Allele origin: germline.
Comment: This sequence change replaces threonine, which is neutral and polar, with lysine, which is basic and polar, at codon 339 of the MITF protein (p.Thr339Lys). This variant is not present in population databases (gnomAD no frequency). This variant has not been reported in the literature in individuals affected with MITF-related conditions. Invitae Evidence Modeling of protein sequence and biophysical properties (such as structural, functional, and spatial information, amino acid conservation, physicochemical variation, residue mobility, and thermodynamic stability) has been performed for this missense variant. However, the output from this modeling did not meet the statistical confidence thresholds required to predict the impact of this variant on MITF protein function. In summary, the available evidence is currently insufficient to determine the role of this variant in disease. Therefore, it has been classified as a Variant of Uncertain Significance.

NM_001354604.2(MITF):c.1337C>A (p.Thr446Lys)

Gene: MITF (melanocyte inducing transcription factor; plus strand). Cytogenetic location: 3p13.
Variant type: single nucleotide variant.
Coding change: c.1337C>A on transcript NM_001354604.2 (MANE Select); coding-DNA position 1337, C replaced by A.
Protein change: p.Thr446Lys; replaces threonine 446 with lysine.
Molecular consequence: missense variant.
Genome position (GRCh38, 1-based): chr3:69,965,004, C>A. VCF-style: chr3-69965004-C-A. GRCh37 (hg19) VCF-style: chr3-70014155-C-A.
Other names: c.1016C>A, p.Thr339Lys (NM_000248.4); c.1163C>A, p.Thr388Lys (NM_001184967.2, NM_001354608.2); c.1334C>A, p.Thr445Lys (NM_001354605.2); c.1316C>A, p.Thr439Lys (NM_001354606.2, NM_006722.3); c.1268C>A, p.Thr423Lys (NM_001354607.2); c.998C>A, p.Thr333Lys (NM_198158.3); c.1319C>A, p.Thr440Lys (NM_198159.3); c.1271C>A, p.Thr424Lys (NM_198177.3); and 1 more; short protein forms T277K, T333K, T339K, T388K, T423K, T424K, T439K, T440K.
Identifiers: ClinVar variation 3758226 (VCV003758226.2).